The following is an entry in ClinVar:

ClinVar aggregate classification (germline): Uncertain significance. Review status: criteria provided, multiple submitters, no conflicts (2 of 4 stars). 2 submissions from 2 submitters: Uncertain significance (2). Last evaluated 2024-07-05.

Conditions:
Inborn genetic diseases. Identifiers: MedGen C0950123, MeSH D030342.
Joubert syndrome 23 (JBTS23). Identifiers: Orphanet 475, MedGen C4084822, MONDO:0014664, OMIM 616490.
Short-rib thoracic dysplasia 14 with polydactyly (SRTD14). Identifiers: Orphanet 397715, MedGen C4225286, MONDO:0014688, OMIM 616546.

Allele frequency attached by ClinVar (database versions not stated): gnomAD 0.00001; TOPMed 0.00001; ExAC 0.00003.
gnomAD v4.1: 23 of 1,613,268 alleles (0.0014%); highest among the groups gnomAD compares: Non-Finnish European, 0.0017%; no homozygotes.

Submissions (2):

Ambry Genetics
Classification: Uncertain significance for Inborn genetic diseases. Last evaluated: 2024-07-05. Review status: criteria provided, single submitter. Criteria: Ambry Variant Classification Scheme 2023. Collection method: clinical testing. Allele origin: germline.

Labcorp Genetics (formerly Invitae), Labcorp
Classification: Uncertain significance for Joubert syndrome 23; Short-rib thoracic dysplasia 14 with polydactyly. Last evaluated: 2022-08-22. Review status: criteria provided, single submitter. Criteria: Invitae Variant Classification Sherloc (09022015). Collection method: clinical testing. Allele origin: germline.
Comment: This sequence change replaces proline, which is neutral and non-polar, with serine, which is neutral and polar, at codon 963 of the KIAA0586 protein (p.Pro963Ser). This variant is present in population databases (rs752882356, gnomAD 0.006%). This variant has not been reported in the literature in individuals affected with KIAA0586-related conditions. ClinVar contains an entry for this variant (Variation ID: 1353740). Algorithms developed to predict the effect of missense changes on protein structure and function output the following: SIFT: "Tolerated"; PolyPhen-2: "Probably Damaging"; Align-GVGD: "Class C0". The serine amino acid residue is found in multiple mammalian species, which suggests that this missense change does not adversely affect protein function. In summary, the available evidence is currently insufficient to determine the role of this variant in disease. Therefore, it has been classified as a Variant of Uncertain Significance.

NM_001329943.3(KIAA0586):c.2728C>T (p.Pro910Ser)

Gene: KIAA0586 (KIAA0586; plus strand). Cytogenetic location: 14q23.1.
Variant type: single nucleotide variant.
Coding change: c.2728C>T on transcript NM_001329943.3 (MANE Select); coding-DNA position 2728, C replaced by T.
Protein change: p.Pro910Ser; replaces proline 910 with serine.
Molecular consequence: missense variant.
Genome position (GRCh38, 1-based): chr14:58,474,700, C>T. VCF-style: chr14-58474700-C-T. GRCh37 (hg19) VCF-style: chr14-58941418-C-T.
Other names: c.2500C>T (NM_014749.3); c.2887C>T, p.Pro963Ser (NM_001244189.2); c.2683C>T, p.Pro895Ser (NM_001244190.2); c.2473C>T, p.Pro825Ser (NM_001244191.2, NM_001329945.2, NM_001364700.1 and 1 more transcripts); c.2596C>T, p.Pro866Ser (NM_001244192.2); c.2308C>T, p.Pro770Ser (NM_001244193.2); c.2728C>T, p.Pro910Ser (NM_001329944.2, NM_001329946.2, NM_001329947.2); c.2500C>T, p.Pro834Ser (NM_014749.5); short protein forms P895S, P825S, P910S, P834S, P770S, P866S, P963S.
Identifiers: ClinVar variation 1353740 (VCV001353740.7), dbSNP rs752882356, ClinGen allele CA7205962.